The following is an entry in ClinVar:

ClinVar aggregate classification (germline): Uncertain significance (1 of 4 stars; one submission).

Submission:

GeneDx
Classification: Uncertain significance. Last evaluated: 2026-08-07. Review status: criteria provided, single submitter. Criteria: GeneDx Variant Classification Process June 2021. Collection method: clinical testing. Allele origin: germline.
Comment: Not observed at significant frequency in large population cohorts (gnomAD); In silico analysis supports that this missense variant has a deleterious effect on protein structure/function; Has not been previously published as pathogenic or benign to our knowledge

NM_014991.6(WDFY3):c.760T>C (p.Tyr254His)

Gene: WDFY3 (WD repeat and FYVE domain containing 3; minus strand). Cytogenetic location: 4q21.23.
Variant type: single nucleotide variant.
Coding change: c.760T>C on transcript NM_014991.6 (MANE Select); coding-DNA position 760, T replaced by C.
Protein change: p.Tyr254His; replaces tyrosine 254 with histidine.
Molecular consequence: missense variant.
Genome position (GRCh38, 1-based): chr4:84,831,422, A>G on the plus strand (T>C on the coding strand, the complement: WDFY3 is on the minus strand). VCF-style: chr4-84831422-A-G. GRCh37 (hg19) VCF-style: chr4-85752575-A-G.
Other names: short protein forms Y254H.
Identifiers: ClinVar variation 3731195 (VCV003731195.2).